The following is an entry in ClinVar:

ClinVar aggregate classification (germline): Uncertain significance (0 of 4 stars; one submission).

Conditions:
von Willebrand disease type 3 (VWD3). Also called: Type 3 Von Willebrand's disease; Type 3 VWD; Von Willebrand disease, severe form; V WD3; VON WILLEBRAND DISEASE, TYPE III. Identifiers: Orphanet 166096, MedGen C1264041, MONDO:0010191, OMIM 277480.

Submission:

Angelo Bianchi Bonomi Hemophilia and Thrombosis Center, Fondazione IRCCS Ca Granda Ospedale Maggiore Policlinico
Classification: Uncertain significance for von Willebrand disease type 3. Last evaluated: 2020-11-01. Review status: no assertion criteria provided. Collection method: clinical testing. Allele origin: germline. Affected: yes. Study: Type 3 Von Willebrand International Registries Inhibitor Prospective Study (3WINTERS-IPS).
Comment: ClinGen Pathogenicity Calculator

NM_000552.5(VWF):c.6901+1G>T

Gene: VWF (von Willebrand factor; minus strand). Cytogenetic location: 12p13.31.
Variant type: single nucleotide variant.
Coding change: c.6901+1G>T on transcript NM_000552.5 (MANE Select); the canonical splice donor site of the intron after coding-DNA position 6901, G replaced by T.
Molecular consequence: splice donor variant.
Genome position (GRCh38, 1-based): chr12:5,985,562, C>A on the plus strand (G>T on the coding strand, the complement: VWF is on the minus strand). VCF-style: chr12-5985562-C-A. GRCh37 (hg19) VCF-style: chr12-6094728-C-A.
Identifiers: ClinVar variation 1065289 (VCV001065289.3), dbSNP rs111537486, ClinGen allele CA383488466.
Genomic context (GRCh38, chr12:5,985,562, plus strand): 5'-GGGGGGCCTTGCAGGGGCCCTTGTTCCTCCATGAAGGCACCAGGGAGGGGAGGACTCTCA[C>A]CTTTGGCCGTGGGGCAGGGCTGCGTTGTGCAGTTGACCTTCCGCCCGCTGAGGCATGTGC-3'